The following is an entry in ClinVar:

NM_005902.4(SMAD3):c.239G>C (p.Arg80Pro)

Gene: SMAD3 (SMAD family member 3; plus strand). Cytogenetic location: 15q22.33.
Variant type: single nucleotide variant.
Coding change: c.239G>C on transcript NM_005902.4 (MANE Select); coding-DNA position 239, G replaced by C.
Protein change: p.Arg80Pro; replaces arginine 80 with proline.
Molecular consequence: missense variant. On other transcripts: 5 prime UTR variant (1).
Genome position (GRCh38, 1-based): chr15:67,164,927, G>C. VCF-style: chr15-67164927-G-C. GRCh37 (hg19) VCF-style: chr15-67457265-G-C.
Other names: c.239G>C (NM_005902.3); c.-77G>C (NM_001145102.2); c.107G>C, p.Arg36Pro (NM_001145103.2); short protein forms R36P, R80P.
Identifiers: ClinVar variation 1047830 (VCV001047830.9), dbSNP rs758823376, ClinGen allele CA392953567.

ClinVar aggregate classification (germline): Uncertain significance. Review status: criteria provided, multiple submitters, no conflicts (2 of 4 stars). 2 submissions from 2 submitters: Uncertain significance (2). Last evaluated 2025-08-12.

Conditions:
Familial thoracic aortic aneurysm and aortic dissection (TAAD). Also called: Thoracic aortic aneurysms and dissections. Identifiers: Orphanet 91387, MedGen C4707243, MONDO:0019625.

Submissions (2):

Labcorp Genetics (formerly Invitae), Labcorp
Classification: Uncertain significance for Familial thoracic aortic aneurysm and aortic dissection. Last evaluated: 2025-08-12. Review status: criteria provided, single submitter. Criteria: Invitae Variant Classification Sherloc (09022015). Collection method: clinical testing. Allele origin: germline.
Comment: This sequence change replaces arginine, which is basic and polar, with proline, which is neutral and non-polar, at codon 80 of the SMAD3 protein (p.Arg80Pro). This variant is not present in population databases (gnomAD no frequency). This variant has not been reported in the literature in individuals affected with SMAD3-related conditions. ClinVar contains an entry for this variant (Variation ID: 1047830). Invitae Evidence Modeling of protein sequence and biophysical properties (such as structural, functional, and spatial information, amino acid conservation, physicochemical variation, residue mobility, and thermodynamic stability) indicates that this missense variant is not expected to disrupt SMAD3 protein function with a negative predictive value of 80%. In summary, the available evidence is currently insufficient to determine the role of this variant in disease. Therefore, it has been classified as a Variant of Uncertain Significance.

GeneDx
Classification: Uncertain significance. Last evaluated: 2022-12-23. Review status: criteria provided, single submitter. Criteria: GeneDx Variant Classification Process June 2021. Collection method: clinical testing. Allele origin: germline. Affected: yes.
Comment: Not observed at significant frequency in large population cohorts (gnomAD); In silico analysis supports that this missense variant has a deleterious effect on protein structure/function; Has not been previously published as pathogenic or benign to our knowledge